The following is an entry in ClinVar:

NM_194293.4(XIRP1):c.3739C>T (p.Pro1247Ser)

Gene: XIRP1 (xin actin binding repeat containing 1; minus strand). Cytogenetic location: 3p22.2.
Variant type: single nucleotide variant.
Coding change: c.3739C>T on transcript NM_194293.4 (MANE Select); coding-DNA position 3739, C replaced by T.
Protein change: p.Pro1247Ser; replaces proline 1247 with serine.
Molecular consequence: missense variant. On other transcripts: intron variant (2).
Genome position (GRCh38, 1-based): chr3:39,185,707, G>A on the plus strand (C>T on the coding strand, the complement: XIRP1 is on the minus strand). VCF-style: chr3-39185707-G-A. GRCh37 (hg19) VCF-style: chr3-39227198-G-A.
Other names: c.-167-46C>T (NM_001351377.2); c.3358-46C>T (NM_001198621.4); c.3739C>T (NM_194293.2); short protein forms P1247S.
Identifiers: ClinVar variation 3025462 (VCV003025462.23), dbSNP rs140483853, ClinGen allele CA2325983.
Genomic context (GRCh38, chr3:39,185,707, plus strand): 5'-GTCCTGTCACAGCAGCTGGGAGAGTAGGAGGAGGAGGAACAAAGGCATTATGGGGGTGCG[G>A]GCTGGCACCTGCAGCTTGGGGCCCAGAGGCCAGAATGTGGCGGCCTAGAGGGGCAGTCTT-3'
Protein context (NP_919269.2, residues 1237-1257): ASGPQAAGAS[Pro1247Ser]HPHNAFVPPP

ClinVar aggregate classification (germline): Uncertain significance. Review status: criteria provided, multiple submitters, no conflicts (2 of 4 stars). 2 submissions from 2 submitters: Uncertain significance (2). Last evaluated 2024-02-01.

Allele frequency attached by ClinVar (database versions not stated): gnomAD exomes 0.00007; TOPMed 0.00007; ESP Exome Variant Server 0.00008; 1000 Genomes Project 30x 0.00016; 1000 Genomes Project 0.00020; gnomAD 0.00005; ExAC 0.00006.

Submissions (2):

CeGaT Center for Human Genetics Tuebingen
Classification: Uncertain significance. Last evaluated: 2024-02-01. Review status: criteria provided, single submitter. Criteria: CeGaT Center For Human Genetics Tuebingen Variant Classification Criteria Version 2. Collection method: clinical testing. Allele origin: germline. Affected: yes. Observed: 1 variant allele.
Comment: XIRP1: PM2, BP4

Ambry Genetics
Classification: Uncertain significance. Last evaluated: 2023-12-08. Review status: criteria provided, single submitter. Criteria: Ambry Variant Classification Scheme 2023. Collection method: clinical testing. Allele origin: germline.